The following is an entry in ClinVar:

ClinVar aggregate classification (germline): Uncertain significance (1 of 4 stars; one submission).

Conditions:
RASopathy. Also called: Noonan spectrum disorder; rasopathies. Identifiers: Orphanet 536391, MedGen C5555857, MONDO:0021060.

Submission:

Labcorp Genetics (formerly Invitae), Labcorp
Classification: Uncertain significance for RASopathy. Last evaluated: 2025-02-04. Review status: criteria provided, single submitter. Criteria: Invitae Variant Classification Sherloc (09022015). Collection method: clinical testing. Allele origin: germline.
Comment: This sequence change replaces lysine, which is basic and polar, with asparagine, which is neutral and polar, at codon 379 of the SHOC2 protein (p.Lys379Asn). This variant is not present in population databases (gnomAD no frequency). This variant has not been reported in the literature in individuals affected with SHOC2-related conditions. Invitae Evidence Modeling of protein sequence and biophysical properties (such as structural, functional, and spatial information, amino acid conservation, physicochemical variation, residue mobility, and thermodynamic stability) indicates that this missense variant is not expected to disrupt SHOC2 protein function with a negative predictive value of 80%. In summary, the available evidence is currently insufficient to determine the role of this variant in disease. Therefore, it has been classified as a Variant of Uncertain Significance.

NM_007373.4(SHOC2):c.1137A>C (p.Lys379Asn)

Gene: SHOC2 (SHOC2 leucine rich repeat scaffold protein; plus strand). Cytogenetic location: 10q25.2.
Variant type: single nucleotide variant.
Coding change: c.1137A>C on transcript NM_007373.4 (MANE Select); coding-DNA position 1137, A replaced by C.
Protein change: p.Lys379Asn; replaces lysine 379 with asparagine.
Molecular consequence: missense variant. On other transcripts: non-coding transcript variant (1).
Genome position (GRCh38, 1-based): chr10:111,004,770, A>C. VCF-style: chr10-111004770-A-C. GRCh37 (hg19) VCF-style: chr10-112764528-A-C.
Other names: c.999A>C, p.Lys333Asn (NM_001269039.3); c.1137A>C, p.Lys379Asn (NM_001324336.2, NM_001324337.2); short protein forms K379N, K333N.
Identifiers: ClinVar variation 3666116 (VCV003666116.2).